The following is an entry in ClinVar:

NM_000372.5(TYR):c.819+1G>A

Gene: TYR (tyrosinase; plus strand). Cytogenetic location: 11q14.3.
Variant type: single nucleotide variant.
Coding change: c.819+1G>A on transcript NM_000372.5 (MANE Select); the canonical splice donor site of the intron after coding-DNA position 819, G replaced by A.
Molecular consequence: splice donor variant.
Genome position (GRCh38, 1-based): chr11:89,178,773, G>A. VCF-style: chr11-89178773-G-A. GRCh37 (hg19) VCF-style: chr11-88911941-G-A.
Identifiers: ClinVar variation 3657782 (VCV003657782.2).
Genomic context (GRCh38, chr11:89,178,773, plus strand): 5'-GGTCAGCACCCCACAAATCCTAACTTACTCAGCCCAGCATCATTCTTCTCCTCTTGGCAG[G>A]TAAGATATGCTAGATATACGATGTCAGAGTAGGGAGGAACCTTAACAATCACTTCTTCAG-3'

ClinVar aggregate classification (germline): Pathogenic (1 of 4 stars; one submission).

Submission:

Labcorp Genetics (formerly Invitae), Labcorp
Classification: Pathogenic. Last evaluated: 2024-11-27. Review status: criteria provided, single submitter. Criteria: Invitae Variant Classification Sherloc (09022015). Collection method: clinical testing. Allele origin: germline.
Comment: This sequence change affects a donor splice site in intron 1 of the TYR gene. It is expected to disrupt RNA splicing. Variants that disrupt the donor or acceptor splice site typically lead to a loss of protein function (PMID: 16199547), and loss-of-function variants in TYR are known to be pathogenic (PMID: 23504663). The frequency data for this variant in the population databases is considered unreliable, as metrics indicate poor data quality at this position in the gnomAD database. Disruption of this splice site has been observed in individual(s) with TYR-related conditions (internal data). In at least one individual the data is consistent with being in trans (on the opposite chromosome) from a pathogenic variant. Algorithms developed to predict the effect of sequence changes on RNA splicing suggest that this variant may disrupt the consensus splice site. For these reasons, this variant has been classified as Pathogenic.

Literature cited by the submitters: PubMed 16199547; PubMed 23504663.